The following is an entry in ClinVar:

ClinVar aggregate classification (germline): Uncertain significance (1 of 4 stars; one submission).

Conditions:
Hereditary cancer-predisposing syndrome. Also called: Neoplastic Syndromes, Hereditary; Hereditary Cancer Syndrome; Tumor predisposition; Hereditary neoplastic syndrome. Identifiers: Orphanet 140162, MedGen C0027672, MeSH D009386, MONDO:0015356.

Submission:

Ambry Genetics
Classification: Uncertain significance for Hereditary cancer-predisposing syndrome. Last evaluated: 2025-01-15. Review status: criteria provided, single submitter. Criteria: Ambry Variant Classification Scheme 2023. Collection method: clinical testing. Allele origin: germline.
Comment: The p.Y261C variant (also known as c.782A>G), located in coding exon 6 of the STK11 gene, results from an A to G substitution at nucleotide position 782. The tyrosine at codon 261 is replaced by cysteine, an amino acid with highly dissimilar properties. This amino acid position is conserved. In addition, the in silico prediction for this alteration is inconclusive. Based on the available evidence, the clinical significance of this variant remains unclear.

NM_000455.5(STK11):c.782A>G (p.Tyr261Cys)

Gene: STK11 (serine/threonine kinase 11; plus strand). Cytogenetic location: 19p13.3.
Variant type: single nucleotide variant.
Coding change: c.782A>G on transcript NM_000455.5 (MANE Select); coding-DNA position 782, A replaced by G.
Protein change: p.Tyr261Cys; replaces tyrosine 261 with cysteine.
Molecular consequence: missense variant. On other transcripts: non-coding transcript variant (1).
Genome position (GRCh38, 1-based): chr19:1,221,260, A>G. VCF-style: chr19-1221260-A-G. GRCh37 (hg19) VCF-style: chr19-1221259-A-G.
Other names: c.782A>G, p.Tyr261Cys (NM_001407255.1); short protein forms Y261C.
Identifiers: ClinVar variation 3802395 (VCV003802395.1).